The following is an entry in ClinVar:

ClinVar aggregate classification (germline): Uncertain significance (1 of 4 stars; one submission).

Allele frequency attached by ClinVar (database versions not stated): gnomAD exomes 0.00001.
gnomAD v4.1: 6 of 1,614,254 alleles (0.00037%); highest among the groups gnomAD compares: Non-Finnish European, 0.00051%; no homozygotes.

Submission:

Ambry Genetics
Classification: Uncertain significance. Last evaluated: 2023-04-19. Review status: criteria provided, single submitter. Criteria: Ambry Variant Classification Scheme 2023. Collection method: clinical testing. Allele origin: germline.
Comment: The p.L564F variant (also known as c.1690C>T), located in coding exon 3 of the ALPK2 gene, results from a C to T substitution at nucleotide position 1690. The leucine at codon 564 is replaced by phenylalanine, an amino acid with highly similar properties. This amino acid position is conserved. In addition, this alteration is predicted to be tolerated by in silico analysis. Since supporting evidence is limited at this time, the clinical significance of this alteration remains unclear.

NM_052947.4(ALPK2):c.1690C>T (p.Leu564Phe)

Gene: ALPK2 (alpha kinase 2; minus strand). Cytogenetic location: 18q21.31.
Variant type: single nucleotide variant.
Coding change: c.1690C>T on transcript NM_052947.4 (MANE Select); coding-DNA position 1690, C replaced by T.
Protein change: p.Leu564Phe; replaces leucine 564 with phenylalanine.
Molecular consequence: missense variant.
Genome position (GRCh38, 1-based): chr18:58,579,086, G>A on the plus strand (C>T on the coding strand, the complement: ALPK2 is on the minus strand). VCF-style: chr18-58579086-G-A. GRCh37 (hg19) VCF-style: chr18-56246318-G-A.
Other names: short protein forms L564F.
Identifiers: ClinVar variation 2564060 (VCV002564060.2), dbSNP rs2518898683, ClinGen allele CA402560841.